The following is an entry in ClinVar:

NM_001199198.3(TBC1D23):c.272-5T>C

Gene: TBC1D23 (TBC1 domain family member 23; plus strand). Cytogenetic location: 3q12.1.
Variant type: single nucleotide variant.
Coding change: c.272-5T>C on transcript NM_001199198.3 (MANE Select); 5 bases into the intron before coding-DNA position 272, T replaced by C.
Molecular consequence: intron variant.
Genome position (GRCh38, 1-based): chr3:100,283,602, T>C. VCF-style: chr3-100283602-T-C. GRCh37 (hg19) VCF-style: chr3-100002446-T-C.
Other names: c.272-5T>C (NM_018309.5).
Identifiers: ClinVar variation 2266843 (VCV002266843.2), dbSNP rs746203536, ClinGen allele CA2514392.

ClinVar aggregate classification (germline): Uncertain significance (1 of 4 stars; one submission).

Conditions:
Inborn genetic diseases. Identifiers: MedGen C0950123, MeSH D030342.

Allele frequency attached by ClinVar (database versions not stated): gnomAD exomes 0.00001; gnomAD 0.00002; TOPMed 0.00003; ExAC 0.00005.
gnomAD v4.1: 23 of 1,611,954 alleles (0.0014%); highest among the groups gnomAD compares: East Asian, 0.051%; no homozygotes.

Submission:

Ambry Genetics
Classification: Uncertain significance for Inborn genetic diseases. Last evaluated: 2021-12-21. Review status: criteria provided, single submitter. Criteria: Ambry Variant Classification Scheme 2023. Collection method: clinical testing. Allele origin: germline.
Comment: The c.272-5T>C intronic alteration consists of a T to C substitution 5 nucleotides before coding exon 4 in the TBC1D23 gene. Based on insufficient or conflicting evidence, the clinical significance of this alteration remains unclear.